The following is an entry in ClinVar:

NM_023110.3(FGFR1):c.1940A>T (p.Asp647Val)

Gene: FGFR1 (fibroblast growth factor receptor 1; minus strand). Cytogenetic location: 8p11.23.
Variant type: single nucleotide variant.
Coding change: c.1940A>T on transcript NM_023110.3 (MANE Select); coding-DNA position 1940, A replaced by T.
Protein change: p.Asp647Val; replaces aspartic acid 647 with valine.
Molecular consequence: missense variant.
Genome position (GRCh38, 1-based): chr8:38,414,816, T>A on the plus strand (A>T on the coding strand, the complement: FGFR1 is on the minus strand). VCF-style: chr8-38414816-T-A. GRCh37 (hg19) VCF-style: chr8-38272334-T-A.
Other names: c.1934A>T, p.Asp645Val (NM_001174063.2, NM_001174065.2, NM_001354367.2 and 1 more transcripts); c.1910A>T, p.Asp637Val (NM_001174064.2); c.1673A>T, p.Asp558Val (NM_001174066.2, NM_023105.3); c.2033A>T, p.Asp678Val (NM_001174067.2); c.1661A>T, p.Asp554Val (NM_001354368.2); c.1928A>T, p.Asp643Val (NM_001354369.2, NM_001410922.1); c.1667A>T, p.Asp556Val (NM_001354370.2, NM_023106.3); short protein forms D554V, D556V, D558V, D637V, D643V, D645V, D647V, D678V.
Identifiers: ClinVar variation 4759293 (VCV004759293.1).
Genomic context (GRCh38, chr8:38,414,816, plus strand): 5'-AGGGCGGCCTTGTCGGCACTCACGTTGGTTGTCTTTTTATAGTAGTCGATGTGGTGAATG[T>A]CCCGTGCGAGGCCAAAGTCTGCTATCTTCATCACATTGTCCTCTGTCACCAGGACATTCC-3'
Protein context (NP_075598.2, residues 637-657): MKIADFGLAR[Asp647Val]IHHIDYYKKT

ClinVar aggregate classification (germline): Uncertain significance (1 of 4 stars; one submission).

Submission:

Institute for Genomic Medicine (IGM) Clinical Laboratory, Nationwide Children's Hospital
Classification: Uncertain significance. Last evaluated: 2025-02-20. Review status: criteria provided, single submitter. Criteria: ACMG Guidelines, 2015. Collection method: clinical testing. Allele origin: germline.
Comment: This variant is absent from or present at an exceedingly low frequency in gnomAD, a large-scale control population database (ACMG/AMP: PM2). This variant is predicted to alter protein function or structure, or disrupt splicing by multiple in silico tools (ACMG/AMP: PP3).